The following is an entry in ClinVar:

ClinVar aggregate classification (germline): Likely pathogenic (1 of 4 stars; one submission).

Conditions:
Oocyte maturation defect 14 (OZEMA14). Also called: OOCYTE/ZYGOTE/EMBRYO MATURATION ARREST 14. Identifiers: MedGen C5830326, MONDO:0859521, OMIM 620276.

Submission:

First Genomix Gene Laboratory, Genetic Diagnostics Department
Classification: Likely pathogenic for Oocyte maturation defect 14. Last evaluated: 2025-09-17. Review status: criteria provided, single submitter. Criteria: ACMG Guidelines, 2015. Collection method: clinical testing. Allele origin: germline. Inheritance: Autosomal recessive inheritance. Affected: no. Observed: 1 variant allele.

NM_001255.3(CDC20):c.1092T>A (p.Cys364Ter)

Gene: CDC20 (cell division cycle 20; plus strand). Cytogenetic location: 1p34.2.
Variant type: single nucleotide variant.
Coding change: c.1092T>A on transcript NM_001255.3 (MANE Select); coding-DNA position 1092, T replaced by A.
Protein change: p.Cys364Ter; replaces cysteine 364 with a stop codon.
Molecular consequence: nonsense.
Genome position (GRCh38, 1-based): chr1:43,361,134, T>A. VCF-style: chr1-43361134-T-A. GRCh37 (hg19) VCF-style: chr1-43826805-T-A.
Other names: short protein forms C364*.
Identifiers: ClinVar variation 4850379 (VCV004850379.1).